The following is an entry in ClinVar:

ClinVar aggregate classification (germline): Likely pathogenic (1 of 4 stars; one submission).

Conditions:
Leber congenital amaurosis 5 (LCA5). Also called: Amaurosis congenita of Leber, type 5. Identifiers: Orphanet 65, MedGen C1858301, MONDO:0011473, OMIM 604537.

Submission:

Natera, Inc.
Classification: Likely pathogenic for Leber congenital amaurosis type 5. Last evaluated: 2024-07-15. Review status: criteria provided, single submitter. Criteria: Natera Variant Classification Schema (03/2026). Collection method: clinical testing. Allele origin: germline.
Comment: The c.1288del variant in LCA5 is a frameshift variant predicted to shift the reading frame beginning at codon 430 and leads to a stop codon 14 codons downstream. This variant is expected to result in nonsense mediated decay, truncation, or a dysfunctional protein product. This variant is rare in the general population with a frequency below the threshold expected for the associated phenotype(s). Given the available evidence, this variant is classified as Likely Pathogenic.

NM_001122769.3(LCA5):c.1288del (p.Arg430fs)

Gene: LCA5 (lebercilin LCA5; minus strand). Cytogenetic location: 6q14.1.
Variant type: Deletion.
Coding change: c.1288del on transcript NM_001122769.3 (MANE Select); coding-DNA position 1288, one base deleted (A; older notation c.1288delA).
Protein change: p.Arg430fs; shifts the reading frame from arginine 430.
Molecular consequence: frameshift variant.
Genome position (GRCh38, 1-based): chr6:79,487,810, T deleted on the plus strand (A on the coding strand, the reverse complement: LCA5 is on the minus strand); the first of 3 consecutive T bases (chr6:79,487,810-79,487,812); deleting any one gives the same sequence. VCF-style (leftmost placement, unchanged base first): chr6-79487809-CT-C. GRCh37 (hg19) VCF-style: chr6-80197526-CT-C.
Other names: c.1288del, p.Arg430fs (NM_181714.4); short protein forms R430fs.
Identifiers: ClinVar variation 4816983 (VCV004816983.1).